The following is an entry in ClinVar:

NM_001197104.2(KMT2A):c.3838G>A (p.Gly1280Arg)

Gene: KMT2A (lysine methyltransferase 2A; plus strand). Cytogenetic location: 11q23.3.
Variant type: single nucleotide variant.
Coding change: c.3838G>A on transcript NM_001197104.2 (MANE Select); coding-DNA position 3838, G replaced by A.
Protein change: p.Gly1280Arg; replaces glycine 1280 with arginine.
Molecular consequence: missense variant.
Genome position (GRCh38, 1-based): chr11:118,481,918, G>A. VCF-style: chr11-118481918-G-A. GRCh37 (hg19) VCF-style: chr11-118352633-G-A.
Other names: c.3937G>A, p.Gly1313Arg (NM_001412597.1); c.3838G>A, p.Gly1280Arg (NM_005933.4); short protein forms G1313R, G1280R.
Identifiers: ClinVar variation 2136180 (VCV002136180.1), dbSNP rs370731183, ClinGen allele CA6303738.

ClinVar aggregate classification (germline): Uncertain significance (1 of 4 stars; one submission).

Allele frequency attached by ClinVar (database versions not stated): ESP Exome Variant Server 0.00008; gnomAD exomes below 0.00001; TOPMed below 0.00001; ExAC 0.00001; gnomAD 0.00001.
gnomAD v4.1: 8 of 1,614,082 alleles (0.0005%); highest among the groups gnomAD compares: Non-Finnish European, 0.00059%; no homozygotes.

Submission:

GeneDx
Classification: Uncertain significance. Last evaluated: 2022-07-20. Review status: criteria provided, single submitter. Criteria: GeneDx Variant Classification Process June 2021. Collection method: clinical testing. Allele origin: germline. Affected: yes.
Comment: In silico analysis supports that this missense variant has a deleterious effect on protein structure/function; Has not been previously published as pathogenic or benign to our knowledge